The following is an entry in ClinVar:

NM_001371928.1(AHDC1):c.3884T>A (p.Phe1295Tyr)

Gene: AHDC1 (AT-hook DNA binding motif containing 1; minus strand). Cytogenetic location: 1p36.11.
Variant type: single nucleotide variant.
Coding change: c.3884T>A on transcript NM_001371928.1 (MANE Select); coding-DNA position 3884, T replaced by A.
Protein change: p.Phe1295Tyr; replaces phenylalanine 1295 with tyrosine.
Molecular consequence: missense variant.
Genome position (GRCh38, 1-based): chr1:27,548,232, A>T on the plus strand (T>A on the coding strand, the complement: AHDC1 is on the minus strand). VCF-style: chr1-27548232-A-T. GRCh37 (hg19) VCF-style: chr1-27874743-A-T.
Other names: c.3884T>A, p.Phe1295Tyr (NM_001029882.3); short protein forms F1295Y.
Identifiers: ClinVar variation 4763511 (VCV004763511.1).
Genomic context (GRCh38, chr1:27,548,232, plus strand): 5'-TCCAGGCCGAGGTCAGGACTGTCCTGGAACAGTGGGTTGACTGGCTGTGGCTTGGGGATG[A>T]ACTTGGCTTTGGCCGCTGCGCCACCCCGCTCCTTCTTGGCTGAGCAGGCCCCACCGCCCC-3'
Protein context (NP_001358857.1, residues 1285-1305): ERGGAAAKAK[Phe1295Tyr]IPKPQPVNPL

ClinVar aggregate classification (germline): Uncertain significance (1 of 4 stars; one submission).

Submission:

Labcorp Genetics (formerly Invitae), Labcorp
Classification: Uncertain significance. Last evaluated: 2025-11-27. Review status: criteria provided, single submitter. Criteria: Invitae Variant Classification Sherloc (09022015). Collection method: clinical testing. Allele origin: germline.
Comment: This sequence change replaces phenylalanine, which is neutral and non-polar, with tyrosine, which is neutral and polar, at codon 1295 of the AHDC1 protein (p.Phe1295Tyr). This variant is not present in population databases (gnomAD no frequency). This variant has not been reported in the literature in individuals affected with AHDC1-related conditions. An algorithm developed to predict the effect of missense changes on protein structure and function (PolyPhen-2) suggests that this variant is likely to be tolerated. In summary, the available evidence is currently insufficient to determine the role of this variant in disease. Therefore, it has been classified as a Variant of Uncertain Significance.